The following is an entry in ClinVar:

ClinVar aggregate classification (germline): Uncertain significance (1 of 4 stars; one submission).

Submission:

Labcorp Genetics (formerly Invitae), Labcorp
Classification: Uncertain significance. Last evaluated: 2025-12-29. Review status: criteria provided, single submitter. Criteria: Invitae Variant Classification Sherloc (09022015). Collection method: clinical testing. Allele origin: germline.
Comment: This sequence change replaces glycine, which is neutral and non-polar, with cysteine, which is neutral and slightly polar, at codon 1327 of the COL11A1 protein (p.Gly1327Cys). This variant is not present in population databases (gnomAD no frequency). This variant has not been reported in the literature in individuals affected with COL11A1-related conditions. Experimental studies and prediction algorithms are not available or were not evaluated, and the functional significance of this variant is currently unknown. In summary, the available evidence is currently insufficient to determine the role of this variant in disease. Therefore, it has been classified as a Variant of Uncertain Significance.

NM_001854.4(COL11A1):c.3979G>T (p.Gly1327Cys)

Gene: COL11A1 (collagen type XI alpha 1 chain; minus strand). Cytogenetic location: 1p21.1.
Variant type: single nucleotide variant.
Coding change: c.3979G>T on transcript NM_001854.4 (MANE Select); coding-DNA position 3979, G replaced by T.
Protein change: p.Gly1327Cys; replaces glycine 1327 with cysteine.
Molecular consequence: missense variant. On other transcripts: non-coding transcript variant (1).
Genome position (GRCh38, 1-based): chr1:102,913,690, C>A on the plus strand (G>T on the coding strand, the complement: COL11A1 is on the minus strand). VCF-style: chr1-102913690-C-A. GRCh37 (hg19) VCF-style: chr1-103379246-C-A.
Other names: c.3862G>T, p.Gly1288Cys (NM_001190709.2); c.4015G>T, p.Gly1339Cys (NM_080629.3); c.3631G>T, p.Gly1211Cys (NM_080630.4); short protein forms G1211C, G1288C, G1327C, G1339C.
Identifiers: ClinVar variation 4733841 (VCV004733841.1).